The following is an entry in ClinVar:

NM_006231.4(POLE):c.104T>A (p.Leu35Gln)

Gene: POLE (DNA polymerase epsilon, catalytic subunit; minus strand). Cytogenetic location: 12q24.33.
Variant type: single nucleotide variant.
Coding change: c.104T>A on transcript NM_006231.4 (MANE Select); coding-DNA position 104, T replaced by A.
Protein change: p.Leu35Gln; replaces leucine 35 with glutamine.
Molecular consequence: missense variant.
Genome position (GRCh38, 1-based): chr12:132,681,238, A>T on the plus strand (T>A on the coding strand, the complement: POLE is on the minus strand). VCF-style: chr12-132681238-A-T. GRCh37 (hg19) VCF-style: chr12-133257824-A-T.
Other names: c.104T>A (NM_006231.2); short protein forms L35Q.
Identifiers: ClinVar variation 849680 (VCV000849680.17), dbSNP rs2043161231, ClinGen allele CA387370432.
Genomic context (GRCh38, chr12:132,681,238, plus strand): 5'-TCCTTCAGCCGCTCAAAACCAAACCGCAAATCCATCTTATCCGTCCACTGACTCCGTTCC[A>T]GGCGCTTGAGTGCCGAAACTGAGGAAGTGGCGCCATCATCCCTGAGTGAAAGAAGGGAAC-3'
Protein context (NP_006222.2, residues 25-45): ATSSVSALKR[Leu35Gln]ERSQWTDKMD

ClinVar aggregate classification (germline): Uncertain significance. Review status: criteria provided, multiple submitters, no conflicts (2 of 4 stars). 3 submissions from 3 submitters: Uncertain significance (3). Last evaluated 2025-06-05.

Conditions:
Hereditary cancer-predisposing syndrome. Also called: Tumor predisposition; Neoplastic Syndromes, Hereditary; Hereditary neoplastic syndrome; Hereditary Cancer Syndrome. Identifiers: Orphanet 140162, MedGen C0027672, MeSH D009386, MONDO:0015356.

Allele frequency attached by ClinVar (database versions not stated): gnomAD exomes below 0.00001.
gnomAD v4.1: 4 of 1,614,202 alleles (0.00025%); highest among the groups gnomAD compares: Non-Finnish European, 0.00034%; no homozygotes.

Submissions (3):

Labcorp Genetics (formerly Invitae), Labcorp
Classification: Uncertain significance. Last evaluated: 2025-06-05. Review status: criteria provided, single submitter. Criteria: Invitae Variant Classification Sherloc (09022015). Collection method: clinical testing. Allele origin: germline.
Comment: This sequence change replaces leucine, which is neutral and non-polar, with glutamine, which is neutral and polar, at codon 35 of the POLE protein (p.Leu35Gln). This variant is not present in population databases (gnomAD no frequency). This variant has not been reported in the literature in individuals affected with POLE-related conditions. ClinVar contains an entry for this variant (Variation ID: 849680). Invitae Evidence Modeling of protein sequence and biophysical properties (such as structural, functional, and spatial information, amino acid conservation, physicochemical variation, residue mobility, and thermodynamic stability) indicates that this missense variant is not expected to disrupt POLE protein function with a negative predictive value of 80%. In summary, the available evidence is currently insufficient to determine the role of this variant in disease. Therefore, it has been classified as a Variant of Uncertain Significance.

Center for Genomic Medicine, Rigshospitalet, Copenhagen University Hospital
Classification: Uncertain significance. Last evaluated: 2025-03-04. Review status: criteria provided, single submitter. Criteria: ACMG Guidelines, 2015. Collection method: clinical testing. Allele origin: germline.

Ambry Genetics
Classification: Uncertain significance for Hereditary cancer-predisposing syndrome. Last evaluated: 2024-09-08. Review status: criteria provided, single submitter. Criteria: Ambry Variant Classification Scheme 2023. Collection method: clinical testing. Allele origin: germline.
Comment: The p.L35Q variant (also known as c.104T>A), located in coding exon 2 of the POLE gene, results from a T to A substitution at nucleotide position 104. The leucine at codon 35 is replaced by glutamine, an amino acid with dissimilar properties. This amino acid position is conserved. In addition, the in silico prediction for this alteration is inconclusive. Based on the available evidence, the clinical significance of this variant remains unclear.